The following is an entry in ClinVar:

NM_182961.4(SYNE1):c.6129G>A (p.Lys2043=)

Gene: SYNE1 (spectrin repeat containing nuclear envelope protein 1; minus strand). Cytogenetic location: 6q25.2.
Variant type: single nucleotide variant.
Coding change: c.6129G>A on transcript NM_182961.4 (MANE Select); coding-DNA position 6129, G replaced by A.
Protein change: p.Lys2043=; no amino-acid change (lysine 2043 retained).
Molecular consequence: synonymous variant.
Genome position (GRCh38, 1-based): chr6:152,413,453, C>T on the plus strand (G>A on the coding strand, the complement: SYNE1 is on the minus strand). VCF-style: chr6-152413453-C-T. GRCh37 (hg19) VCF-style: chr6-152734588-C-T.
Other names: p.Lys2050=; c.6150G>A, p.Lys2050= (NM_033071.5); c.6129G>A (NM_182961.2).
Identifiers: ClinVar variation 758298 (VCV000758298.12), dbSNP rs1401669271, ClinGen allele CA4058155.

ClinVar aggregate classification (germline): Benign/Likely benign. Review status: criteria provided, multiple submitters, no conflicts (2 of 4 stars). 3 submissions from 3 submitters: Benign (1); Likely benign (2). Last evaluated 2025-07-14.

Conditions:
Emery-Dreifuss muscular dystrophy 4, autosomal dominant (EDMD4). Also called: EMERY-DREIFUSS MUSCULAR DYSTROPHY 4 WITH VARIABLE FEATURES. Identifiers: Orphanet 261, MedGen C2751807, MONDO:0013071, OMIM 612998.
Autosomal recessive ataxia, Beauce type. Also called: Spinocerebellar ataxia, autosomal recessive 8; ATAXIA, RECESSIVE, OF BEAUCE; SYNE1 Deficiency; SYNE1-Related Autosomal Recessive Cerebellar Ataxia. Identifiers: Orphanet 88644, MedGen C1853116, MONDO:0012549, OMIM 610743.

Allele frequency attached by ClinVar (database versions not stated): gnomAD 0.00005; ExAC 0.00006; gnomAD exomes 0.00006; TOPMed 0.00006.
gnomAD v4.1: 17 of 1,614,024 alleles (0.0011%); highest among the groups gnomAD compares: East Asian, 0.025%; no homozygotes.

Submissions (3):

Mayo Clinic Laboratories, Mayo Clinic
Classification: Likely benign. Last evaluated: 2025-07-14. Review status: criteria provided, single submitter. Criteria: ACMG Guidelines, 2015. Collection method: clinical testing. Allele origin: germline. Observed: 1 variant allele.
Comment: BP4, BP7

Labcorp Genetics (formerly Invitae), Labcorp
Classification: Likely benign for Emery-Dreifuss muscular dystrophy 4, autosomal dominant; Autosomal recessive ataxia, Beauce type. Last evaluated: 2024-09-27. Review status: criteria provided, single submitter. Criteria: Invitae Variant Classification Sherloc (09022015). Collection method: clinical testing. Allele origin: germline.

Athena Diagnostics
Classification: Benign. Last evaluated: 2023-10-02. Review status: criteria provided, single submitter. Criteria: Athena Diagnostics Criteria. Collection method: clinical testing. Allele origin: unknown.